The following is an entry in ClinVar:

NM_002386.4(MC1R):c.194A>C (p.Lys65Thr)

Gene: MC1R (melanocortin 1 receptor; plus strand). Cytogenetic location: 16q24.3.
Variant type: single nucleotide variant.
Coding change: c.194A>C on transcript NM_002386.4 (MANE Select); coding-DNA position 194, A replaced by C.
Protein change: p.Lys65Thr; replaces lysine 65 with threonine.
Molecular consequence: missense variant.
Genome position (GRCh38, 1-based): chr16:89,919,452, A>C. VCF-style: chr16-89919452-A-C. GRCh37 (hg19) VCF-style: chr16-89985860-A-C.
Other names: short protein forms K65T.
Identifiers: ClinVar variation 3543969 (VCV003543969.1).

ClinVar aggregate classification (germline): Uncertain significance (1 of 4 stars; one submission).

Submission:

Ambry Genetics
Classification: Uncertain significance. Last evaluated: 2024-11-25. Review status: criteria provided, single submitter. Criteria: Ambry Variant Classification Scheme 2023. Collection method: clinical testing. Allele origin: germline.
Comment: The p.K65T variant (also known as c.194A>C), located in coding exon 1 of the MC1R gene, results from an A to C substitution at nucleotide position 194. The lysine at codon 65 is replaced by threonine, an amino acid with similar properties. This amino acid position is conserved. In addition, this alteration is predicted to be tolerated by in silico analysis. Based on the available evidence, the clinical significance of this variant remains unclear.